The following is an entry in ClinVar:

NM_172362.3(KCNH1):c.2143C>T (p.Arg715Cys)

Gene: KCNH1 (potassium voltage-gated channel subfamily H member 1; minus strand). Cytogenetic location: 1q32.2.
Variant type: single nucleotide variant.
Coding change: c.2143C>T on transcript NM_172362.3 (MANE Select); coding-DNA position 2143, C replaced by T.
Protein change: p.Arg715Cys; replaces arginine 715 with cysteine.
Molecular consequence: missense variant.
Genome position (GRCh38, 1-based): chr1:210,684,108, G>A on the plus strand (C>T on the coding strand, the complement: KCNH1 is on the minus strand). VCF-style: chr1-210684108-G-A. GRCh37 (hg19) VCF-style: chr1-210857450-G-A.
Other names: c.2062C>T, p.Arg688Cys (NM_002238.4); short protein forms R715C, R688C.
Identifiers: ClinVar variation 1519465 (VCV001519465.30), dbSNP rs116424709, ClinGen allele CA1379749.

ClinVar aggregate classification (germline): Conflicting classifications of pathogenicity. Review status: criteria provided, conflicting classifications (1 of 4 stars). 2 submissions from 2 submitters: Uncertain significance (1); Likely benign (1). Last evaluated 2025-12-10.

Allele frequency attached by ClinVar (database versions not stated): gnomAD exomes below 0.00001 and 0.00003; TOPMed below 0.00001; gnomAD 0.00001; ExAC 0.00002; 1000 Genomes Project 0.00020; 1000 Genomes Project 30x 0.00031.
gnomAD v4.1: 9 of 1,512,304 alleles (0.0006%); highest among the groups gnomAD compares: Admixed American, 0.0045%; no homozygotes.

Submissions (2):

Labcorp Genetics (formerly Invitae), Labcorp
Classification: Likely benign. Last evaluated: 2025-12-10. Review status: criteria provided, single submitter. Criteria: Invitae Variant Classification Sherloc (09022015). Collection method: clinical testing. Allele origin: germline.

CeGaT Center for Human Genetics Tuebingen
Classification: Uncertain significance. Last evaluated: 2024-01-01. Review status: criteria provided, single submitter. Criteria: CeGaT Center For Human Genetics Tuebingen Variant Classification Criteria Version 2. Collection method: clinical testing. Allele origin: germline. Affected: yes. Observed: 1 variant allele.
Comment: KCNH1: PM2:Supporting